The following is an entry in ClinVar:

ClinVar aggregate classification (germline): Uncertain significance (1 of 4 stars; one submission).

Conditions:
Hereditary cancer-predisposing syndrome. Also called: Neoplastic Syndromes, Hereditary; Tumor predisposition; Hereditary neoplastic syndrome; Hereditary Cancer Syndrome. Identifiers: Orphanet 140162, MedGen C0027672, MeSH D009386, MONDO:0015356.

Allele frequency attached by ClinVar (database versions not stated): gnomAD exomes below 0.00001; ExAC 0.00001.
gnomAD v4.1: 1 of 1,613,616 alleles (0.000062%); highest among the groups gnomAD compares: Admixed American, 0.0017%; no homozygotes.

Submission:

Ambry Genetics
Classification: Uncertain significance for Hereditary cancer-predisposing syndrome. Last evaluated: 2023-11-28. Review status: criteria provided, single submitter. Criteria: Ambry Variant Classification Scheme 2023. Collection method: clinical testing. Allele origin: germline.
Comment: The p.S1317R variant (also known as c.3951C>G), located in coding exon 31 of the POLE gene, results from a C to G substitution at nucleotide position 3951. The serine at codon 1317 is replaced by arginine, an amino acid with dissimilar properties. This amino acid position is conserved. In addition, this alteration is predicted to be tolerated by in silico analysis. Since supporting evidence is limited at this time, the clinical significance of this alteration remains unclear.

NM_006231.4(POLE):c.3951C>G (p.Ser1317Arg)

Gene: POLE (DNA polymerase epsilon, catalytic subunit; minus strand). Cytogenetic location: 12q24.33.
Variant type: single nucleotide variant.
Coding change: c.3951C>G on transcript NM_006231.4 (MANE Select); coding-DNA position 3951, C replaced by G.
Protein change: p.Ser1317Arg; replaces serine 1317 with arginine.
Molecular consequence: missense variant.
Genome position (GRCh38, 1-based): chr12:132,649,360, G>C on the plus strand (C>G on the coding strand, the complement: POLE is on the minus strand). VCF-style: chr12-132649360-G-C. GRCh37 (hg19) VCF-style: chr12-133225946-G-C.
Other names: short protein forms S1317R.
Identifiers: ClinVar variation 3225449 (VCV003225449.1), dbSNP rs773095653, ClinGen allele CA6893046.